The following is an entry in ClinVar:

ClinVar aggregate classification (germline): Pathogenic (1 of 4 stars; one submission).

Conditions:
Hereditary cancer-predisposing syndrome. Also called: Tumor predisposition; Hereditary neoplastic syndrome; Hereditary Cancer Syndrome; Neoplastic Syndromes, Hereditary. Identifiers: Orphanet 140162, MedGen C0027672, MeSH D009386, MONDO:0015356.

Submission:

Ambry Genetics
Classification: Pathogenic for Hereditary cancer-predisposing syndrome. Last evaluated: 2025-04-14. Review status: criteria provided, single submitter. Criteria: Ambry Variant Classification Scheme 2023. Collection method: clinical testing. Allele origin: germline.
Comment: The c.651_655delTCAGT pathogenic mutation, located in coding exon 5 of the ATM gene, results from a deletion of 5 nucleotides at nucleotide positions 651 to 655, causing a translational frameshift with a predicted alternate stop codon (p.I217Mfs*35). This variant is considered to be rare based on population cohorts in the Genome Aggregation Database (gnomAD). This alteration is expected to result in loss of function by premature protein truncation or nonsense-mediated mRNA decay. As such, this alteration is interpreted as a disease-causing mutation.

NM_000051.4(ATM):c.651_655del (p.Ile217fs)

Gene: ATM (ATM serine/threonine kinase; plus strand). Cytogenetic location: 11q22.3.
Variant type: Deletion.
Coding change: c.651_655del on transcript NM_000051.4 (MANE Select); coding-DNA positions 651 to 655, 5 bases deleted (TCAGT; older notation c.651_655delTCAGT).
Protein change: p.Ile217fs; shifts the reading frame from isoleucine 217.
Molecular consequence: frameshift variant.
Genome position (GRCh38, 1-based): chr11:108,244,107-108,244,111, TCAGT deleted; deleting any 5 consecutive bases within chr11:108,244,106-108,244,111 gives the same sequence; the c. name uses the placement nearest the transcript's 3' end. VCF-style (leftmost placement, unchanged base first): chr11-108244105-ATTCAG-A. GRCh37 (hg19) VCF-style: chr11-108114832-ATTCAG-A.
Other names: c.651_655del, p.Ile217fs (NM_001351834.2); short protein forms I217fs.
Identifiers: ClinVar variation 3966098 (VCV003966098.1).
Genomic context (GRCh38, chr11:108,244,105, plus strand): 5'-GGATGCTGTTCTCAGACTGACGGATTAAATTCCAAATTTTTGGACTTTTTTTCCAAGGCT[ATTCAG>A]TGTGCGAGGTAATCTAATCTCTTTTTCTTTTGTTTTGTATTGAAATACTTTTGATCTTGC-3'